The following is an entry in ClinVar:

ClinVar aggregate classification (germline): Likely benign. Review status: criteria provided, multiple submitters, no conflicts (2 of 4 stars). 3 submissions from 3 submitters: Likely benign (3). Last evaluated 2026-01-17.

Conditions:
UNC45A-related disorder. Also called: UNC45A-related condition.

Allele frequency attached by ClinVar (database versions not stated): TOPMed 0.00001; gnomAD 0.00002; gnomAD exomes 0.00003 and 0.00004; ExAC 0.00004.
gnomAD v4.1: 67 of 1,613,404 alleles (0.0042%); highest among the groups gnomAD compares: Middle Eastern, 0.033%; no homozygotes.

Submissions (3):

PreventionGenetics, part of Exact Sciences
Classification: Likely benign for UNC45A-related condition. Last evaluated: 2026-01-17. Review status: criteria provided, single submitter. Criteria: ACMG Guidelines, 2015. Collection method: clinical testing. Allele origin: germline.
Comment: This variant is classified as likely benign based on ACMG/AMP sequence variant interpretation guidelines (Richards et al. 2015 PMID: 25741868, with internal and published modifications).

Labcorp Genetics (formerly Invitae), Labcorp
Classification: Likely benign. Last evaluated: 2026-01-11. Review status: criteria provided, single submitter. Criteria: Invitae Variant Classification Sherloc (09022015). Collection method: clinical testing. Allele origin: germline.

CeGaT Center for Human Genetics Tuebingen
Classification: Likely benign. Last evaluated: 2025-10-01. Review status: criteria provided, single submitter. Criteria: CeGaT Center For Human Genetics Tuebingen Variant Classification Criteria Version 2. Collection method: clinical testing. Allele origin: germline. Affected: yes. Observed: 1 variant allele.
Comment: UNC45A: BP4, BP7

NM_018671.5(UNC45A):c.891C>T (p.Asn297=)

Gene: UNC45A (unc-45 myosin chaperone A; plus strand). Cytogenetic location: 15q26.1.
Variant type: single nucleotide variant.
Coding change: c.891C>T on transcript NM_018671.5 (MANE Select); coding-DNA position 891, C replaced by T.
Protein change: p.Asn297=; no amino-acid change (asparagine 297 retained).
Molecular consequence: synonymous variant.
Genome position (GRCh38, 1-based): chr15:90,942,946, C>T. VCF-style: chr15-90942946-C-T. GRCh37 (hg19) VCF-style: chr15-91486176-C-T.
Other names: c.846C>T, p.Asn282= (NM_001039675.2, NM_001323621.2); c.891C>T, p.Asn297= (NM_001323619.1); c.456C>T, p.Asn152= (NM_001323620.2).
Identifiers: ClinVar variation 1580085 (VCV001580085.15), dbSNP rs775574287, ClinGen allele CA7742719.
Genomic context (GRCh38, chr15:90,942,946, plus strand): 5'-CACTGATGTCTTCTTGTTGTTGCCAGATCCTGCCCGGGAGCTGAAGGTCCTCATCAGTAA[C>T]CTCTTAGATCTGCTGACAGAGGTGGGGGTCTCTGGCCAAGGCCGAGACAATGCCCTGACC-3'
Protein context (NP_061141.2, residues 287-307): PARELKVLIS[Asn297=]LLDLLTEVGV